The following is an entry in ClinVar:

ClinVar aggregate classification (germline): Pathogenic (1 of 4 stars; one submission).

Conditions:
X-linked cone-rod dystrophy 3 (CORDX3). Identifiers: Orphanet 1872, MedGen C1845407, MONDO:0010335, OMIM 300476.

Submission:

Victorian Clinical Genetics Services, Murdoch Childrens Research Institute
Classification: Pathogenic for X-linked cone-rod dystrophy 3. Last evaluated: 2020-06-11. Review status: criteria provided, single submitter. Criteria: ACMG Guidelines, 2015. Collection method: clinical testing. Allele origin: germline. Inheritance: X-linked recessive inheritance.
Comment: Based on the classification scheme VCGS_Germline_v1.1.1, this variant is classified as Pathogenic. Following criteria are met: 0103 - Both loss- and gain-of-function are known mechanisms of disease for this gene (PMID: 25307992, PMID: 29854783). Variants resulting in a truncated protein and some missense have been reported to have a loss of function effect on protein, while only missense have been proven to have a gain of function effect (OMIM, PMID: 15897456). (N) 0109 - This gene is known to be associated with X-linked recessive disease. However carrier females have been reported to be mildly affected (PMID: 15897456; PMID: 31651202, OMIM). (N) 0201 - Variant is predicted to cause nonsense-mediated decay (NMD) and loss of protein (exon 20 of 48). (P) 0251 - Variant is heterozygous. (N) 0301 - Variant is absent from gnomAD. (P) 0701 - Comparable variants have very strong previous evidence for pathogenicity. Other variants also predicted to cause NMD have been reported as pathogenic and are generally reported in patients with night blindness (ClinVar, Decipher). (P) 0807 - Variant has not previously been reported in a clinical context. (N) 0905 - No segregation evidence has been identified for this variant. (N) 1007 - No published functional evidence has been identified for this variant. Father was not tested. (N) Legend: (P) - Pathogenic, (N) - Neutral, (B) - Benign

Literature cited by the submitters: PubMed 15897456; PubMed 25307992; PubMed 29854783; PubMed 31651202.

NM_001256789.3(CACNA1F):c.2504del (p.Pro835fs)

Gene: CACNA1F (calcium voltage-gated channel subunit alpha1 F; minus strand). Cytogenetic location: Xp11.23.
Variant type: Deletion.
Coding change: c.2504del on transcript NM_001256789.3 (MANE Select); coding-DNA position 2504, one base deleted (C; older notation c.2504delC).
Protein change: p.Pro835fs; shifts the reading frame from proline 835.
Molecular consequence: frameshift variant.
Genome position (GRCh38, 1-based): chrX:49,219,673, G deleted on the plus strand (C on the coding strand, the reverse complement: CACNA1F is on the minus strand); the first of 3 consecutive G bases (chrX:49,219,673-49,219,675); deleting any one gives the same sequence. VCF-style (leftmost placement, unchanged base first): chrX-49219672-AG-A. GRCh37 (hg19) VCF-style: chrX-49076131-AG-A.
Other names: c.2342del, p.Pro781fs (NM_001256790.3); c.2537del, p.Pro846fs (NM_005183.4); short protein forms P781fs, P835fs, P846fs.
Identifiers: ClinVar variation 1699126 (VCV001699126.3), dbSNP rs2147910175, ClinGen allele CA923726208.